The following is an entry in ClinVar:

ClinVar aggregate classification (germline): Likely pathogenic (1 of 4 stars; one submission).

Conditions:
Niemann-Pick disease, type C2 (NPC2). Identifiers: Orphanet 646, MedGen C1843366, MONDO:0011873, OMIM 607625.

Submission:

Foundation for Research in Genetics and Endocrinology, FRIGE's Institute of Human Genetics
Classification: Likely pathogenic for Niemann-Pick disease, type C2. Last evaluated: 2023-09-23. Review status: criteria provided, single submitter. Criteria: ACMG Guidelines, 2015. Collection method: clinical testing. Allele origin: germline. Inheritance: Autosomal recessive inheritance. Affected: yes. Observed: 1 homozygote.
Comment: A homozygous 2 base pair deletion in exon 2 of the NPC2 gene that results in a premature truncation of the amino acids downstream to codon 40 was detected. The observed variant c.116_117dup (p.Ser40Ter) has not been reported in the 1000 genomes and gnomAD databases. The in-silico prediction of the variant is disease causing by Mutation Taster. In summary, the variant meets our criteria to be classified as likely pathogenic.

NM_006432.5(NPC2):c.116_117dup (p.Ser40Ter)

Gene: NPC2 (NPC intracellular cholesterol transporter 2; minus strand). Cytogenetic location: 14q24.3.
Variant type: Microsatellite.
Coding change: c.116_117dup on transcript NM_006432.5 (MANE Select); coding-DNA positions 116 to 117, 2 bases duplicated (TG; older notation c.116_117dupTG).
Protein change: p.Ser40Ter; replaces serine 40 with a stop codon.
Molecular consequence: nonsense.
Genome position (GRCh38, 1-based): chr14:74,486,402-74,486,403, CA duplicated on the plus strand (TG on the coding strand, the reverse complement: NPC2 is on the minus strand); duplicating any 2 consecutive bases within chr14:74,486,402-74,486,405 gives the same sequence; the c. name uses the placement nearest the transcript's 3' end. VCF-style (leftmost placement, unchanged base first): chr14-74486401-T-TCA. GRCh37 (hg19) VCF-style: chr14-74953104-T-TCA.
Other names: p.Ser40Ter; c.116_117dup, p.Ser40Ter (NM_001363688.1, NM_001375440.1); short protein forms S40*.
Identifiers: ClinVar variation 2582299 (VCV002582299.2), dbSNP rs2506107289, ClinGen allele CA2582341761.
Genomic context (GRCh38, chr14:74,486,401, plus strand): 5'-TGACATTGACGCTGTAAGACTGTCCTTTGCTCAGCTGGCAGGGTTGGGTGGGGCATGGGC[T>TCA]CACATTCACTTCCTTTATAACTCCATCCACAGAACCTGCAAAAGAAAAATGAATTGGAAT-3'